The following is an entry in ClinVar:

ClinVar aggregate classification (germline): Uncertain significance (1 of 4 stars; one submission).

Conditions:
Charcot-Marie-Tooth disease dominant intermediate B (CMTDIB). Also called: CHARCOT-MARIE-TOOTH NEUROPATHY, DOMINANT INTERMEDIATE B; Charcot-Marie-Tooth disease dominant intermediate 1; CMT DI1; Charcot-Marie-Tooth disease dominant intermediate I. Identifiers: Orphanet 100044, Orphanet 228179, MedGen C1847902, MONDO:0011674, OMIM 606482.

Submission:

Labcorp Genetics (formerly Invitae), Labcorp
Classification: Uncertain significance for Charcot-Marie-Tooth disease dominant intermediate B. Last evaluated: 2025-10-02. Review status: criteria provided, single submitter. Criteria: Invitae Variant Classification Sherloc (09022015). Collection method: clinical testing. Allele origin: germline.
Comment: This sequence change replaces aspartic acid, which is acidic and polar, with histidine, which is basic and polar, at codon 738 of the DNM2 protein (p.Asp738His). This variant is not present in population databases (gnomAD no frequency). This variant has not been reported in the literature in individuals affected with DNM2-related conditions. ClinVar contains an entry for this variant (Variation ID: 3666159). Invitae Evidence Modeling of protein sequence and biophysical properties (such as structural, functional, and spatial information, amino acid conservation, physicochemical variation, residue mobility, and thermodynamic stability) indicates that this missense variant is expected to disrupt DNM2 protein function with a positive predictive value of 80%. In summary, the available evidence is currently insufficient to determine the role of this variant in disease. Therefore, it has been classified as a Variant of Uncertain Significance.

NM_001005361.3(DNM2):c.2212G>C (p.Asp738His)

Gene: DNM2 (dynamin 2; plus strand). Cytogenetic location: 19p13.2.
Variant type: single nucleotide variant.
Coding change: c.2212G>C on transcript NM_001005361.3 (MANE Select); coding-DNA position 2212, G replaced by C.
Protein change: p.Asp738His; replaces aspartic acid 738 with histidine.
Molecular consequence: missense variant.
Genome position (GRCh38, 1-based): chr19:10,829,189, G>C. VCF-style: chr19-10829189-G-C. GRCh37 (hg19) VCF-style: chr19-10939865-G-C.
Other names: c.2212G>C, p.Asp738His (NM_001005360.3, NM_001190716.2); c.2200G>C, p.Asp734His (NM_001005362.3, NM_004945.4); short protein forms D734H, D738H.
Identifiers: ClinVar variation 3666159 (VCV003666159.2).